The following is an entry in ClinVar:

ClinVar aggregate classification (germline): Uncertain significance. Review status: criteria provided, multiple submitters, no conflicts (2 of 4 stars). 2 submissions from 2 submitters: Uncertain significance (2). Last evaluated 2026-03-06.

Conditions:
Inborn genetic diseases. Identifiers: MedGen C0950123, MeSH D030342.
DDX41-related hematologic malignancy predisposition syndrome. Also called: DDX41-Associated Familial Myelodysplastic Syndrome and Acute Myeloid Leukemia; Myeloproliferative/lymphoproliferative neoplasms, familial (multiple types), susceptibility to. Identifiers: Orphanet 488647, MedGen C4225174, MONDO:0014809, OMIM 616871.

Submissions (2):

Ambry Genetics
Classification: Uncertain significance for Inborn genetic diseases. Last evaluated: 2026-03-06. Review status: criteria provided, single submitter. Criteria: Ambry Variant Classification Scheme 2023. Collection method: clinical testing. Allele origin: germline.
Comment: The c.299-3C>A intronic variant results from a C to A substitution 3 nucleotides upstream from coding exon 4 in the DDX41 gene. This nucleotide position is well conserved in available vertebrate species. In silico splice site analysis for this alteration is inconclusive; however, direct evidence is insufficient at this time (Ambry internal data). Based on the available evidence, the clinical significance of this variant remains unclear.

Baylor Genetics
Classification: Uncertain significance for DDX41-related hematologic malignancy predisposition syndrome. Last evaluated: 2023-12-15. Review status: criteria provided, single submitter. Criteria: ACMG Guidelines, 2015. Collection method: clinical testing. Allele origin: unknown.

NM_016222.4(DDX41):c.299-3C>A

Gene: DDX41 (DEAD-box helicase 41; minus strand). Cytogenetic location: 5q35.3.
Variant type: single nucleotide variant.
Coding change: c.299-3C>A on transcript NM_016222.4 (MANE Select); 3 bases into the intron before coding-DNA position 299, C replaced by A.
Molecular consequence: intron variant.
Genome position (GRCh38, 1-based): chr5:177,516,196, G>T on the plus strand (C>A on the coding strand, the complement: DDX41 is on the minus strand). VCF-style: chr5-177516196-G-T. GRCh37 (hg19) VCF-style: chr5-176943197-G-T.
Other names: c.-80-3C>A (NM_001321830.2, NM_001321732.2); c.299-3C>A (NM_016222.2).
Identifiers: ClinVar variation 3241304 (VCV003241304.3), dbSNP rs758614565.